The following is an entry in ClinVar:

ClinVar aggregate classification (germline): Uncertain significance (1 of 4 stars; one submission).

Submission:

Ambry Genetics
Classification: Uncertain significance. Last evaluated: 2024-06-08. Review status: criteria provided, single submitter. Criteria: Ambry Variant Classification Scheme 2023. Collection method: clinical testing. Allele origin: germline.
Comment: The p.E120Q variant (also known as c.358G>C), located in coding exon 1 of the TERF2IP gene, results from a G to C substitution at nucleotide position 358. The glutamic acid at codon 120 is replaced by glutamine, an amino acid with highly similar properties. This amino acid position is conserved. In addition, this alteration is predicted to be tolerated by in silico analysis. Based on the available evidence, the clinical significance of this variant remains unclear.

NM_018975.4(TERF2IP):c.358G>C (p.Glu120Gln)

Gene: TERF2IP (TERF2 interacting protein; plus strand). Cytogenetic location: 16q23.1.
Variant type: single nucleotide variant.
Coding change: c.358G>C on transcript NM_018975.4 (MANE Select); coding-DNA position 358, G replaced by C.
Protein change: p.Glu120Gln; replaces glutamic acid 120 with glutamine.
Molecular consequence: missense variant. On other transcripts: non-coding transcript variant (1).
Genome position (GRCh38, 1-based): chr16:75,648,240, G>C. VCF-style: chr16-75648240-G-C. GRCh37 (hg19) VCF-style: chr16-75682138-G-C.
Other names: short protein forms E120Q.
Identifiers: ClinVar variation 3325438 (VCV003325438.1).
Genomic context (GRCh38, chr16:75,648,240, plus strand): 5'-CGGCTGGGCCCCGCCTCGGCGGCGGACACCGGCTCGGAAGCAAAGCCCGGGGCCCTGGCC[G>C]AGGGCGCCGCGGAGCCGGAGCCGCAGCGGCACGCCGGGCGGATCGCCTTCACGGATGCGG-3'
Protein context (NP_061848.2, residues 110-130): GSEAKPGALA[Glu120Gln]GAAEPEPQRH